The following is an entry in ClinVar:

NM_145207.3(AFG2A):c.2134-4C>G

Gene: AFG2A (AAA ATPase AFG2A; plus strand). Cytogenetic location: 4q28.1.
Variant type: single nucleotide variant.
Coding change: c.2134-4C>G on transcript NM_145207.3 (MANE Select); 4 bases into the intron before coding-DNA position 2134, C replaced by G.
Molecular consequence: intron variant.
Genome position (GRCh38, 1-based): chr4:123,057,205, C>G. VCF-style: chr4-123057205-C-G. GRCh37 (hg19) VCF-style: chr4-123978360-C-G.
Other names: c.2131-4C>G (NM_001345856.2).
Identifiers: ClinVar variation 542381 (VCV000542381.5), dbSNP rs375025031, ClinGen allele CA3070657.

ClinVar aggregate classification (germline): Uncertain significance (1 of 4 stars; one submission).

Conditions:
Microcephaly-intellectual disability-sensorineural hearing loss-epilepsy-abnormal muscle tone syndrome (NEDHSB). Also called: NEURODEVELOPMENTAL DISORDER WITH HEARING LOSS, SEIZURES, AND BRAIN ABNORMALITIES. Identifiers: Orphanet 457351, MedGen C4225276, MONDO:0014698, OMIM 616577.

Allele frequency attached by ClinVar (database versions not stated): TOPMed below 0.00001; gnomAD 0.00001; gnomAD exomes 0.00001; ExAC 0.00002; ESP Exome Variant Server 0.00008.
gnomAD v4.1: 3 of 1,613,706 alleles (0.00019%); highest among the groups gnomAD compares: Admixed American, 0.0017%; no homozygotes.

Submission:

Labcorp Genetics (formerly Invitae), Labcorp
Classification: Uncertain significance for Microcephaly-intellectual disability-sensorineural hearing loss-epilepsy-abnormal muscle tone syndrome. Last evaluated: 2024-01-29. Review status: criteria provided, single submitter. Criteria: Invitae Variant Classification Sherloc (09022015). Collection method: clinical testing. Allele origin: germline.
Comment: This sequence change falls in intron 12 of the SPATA5 gene. It does not directly change the encoded amino acid sequence of the SPATA5 protein. This variant is present in population databases (rs375025031, gnomAD 0.006%). This variant has not been reported in the literature in individuals affected with SPATA5-related conditions. ClinVar contains an entry for this variant (Variation ID: 542381). Algorithms developed to predict the effect of sequence changes on RNA splicing suggest that this variant may create or strengthen a splice site. In summary, the available evidence is currently insufficient to determine the role of this variant in disease. Therefore, it has been classified as a Variant of Uncertain Significance.